The following is an entry in ClinVar:

ClinVar aggregate classification (germline): Conflicting classifications of pathogenicity. Review status: criteria provided, conflicting classifications (1 of 4 stars). 7 submissions from 6 submitters: Likely pathogenic (1); Uncertain significance (5); Likely benign (1). Last evaluated 2026-02-01.

Conditions:
Cardiovascular phenotype. Identifiers: MedGen CN230736.
Osteogenesis imperfecta type I (OI1). Also called: Osteogenesis imperfecta type 1; OI, TYPE I; OSTEOGENESIS IMPERFECTA TARDA; OSTEOGENESIS IMPERFECTA WITH BLUE SCLERAE; Lobstein disease; Lobstein's Disease. Identifiers: Orphanet 216796, Orphanet 666, MedGen C0023931, MONDO:0008146, OMIM 166200. Disease mechanism: loss of function.
Ehlers-Danlos syndrome, classic type, 1 (EDSCL1). Also called: EHLERS-DANLOS SYNDROME, GRAVIS TYPE; EHLERS-DANLOS SYNDROME, SEVERE CLASSIC TYPE; Ehlers-Danlos Syndrome, Classic Type, COL5A1-Related; EDS I; Ehlers-Danlos syndrome, type 1. Identifiers: MedGen C0268335, MONDO:0019567, OMIM 130000.
Osteogenesis imperfecta (OI). Identifiers: Orphanet 666, MedGen C0029434, MeSH D010013, MONDO:0019019.
Ehlers-Danlos syndrome, arthrochalasia type, 2. Also called: EHLERS-DANLOS SYNDROME, TYPE VIIB, AUTOSOMAL DOMINANT. Identifiers: MedGen CN293783, MONDO:0040501, OMIM 617821.

Allele frequency attached by ClinVar (database versions not stated): gnomAD 0.00003; ExAC 0.00004; TOPMed 0.00004; gnomAD exomes 0.00005.
gnomAD v4.1: 78 of 1,600,870 alleles (0.0049%); highest among the groups gnomAD compares: Admixed American, 0.015%; no homozygotes.

Submissions (7):

CeGaT Center for Human Genetics Tuebingen
Classification: Likely benign. Last evaluated: 2026-02-01. Review status: criteria provided, single submitter. Criteria: CeGaT Center For Human Genetics Tuebingen Variant Classification Criteria Version 2. Collection method: clinical testing. Allele origin: germline. Affected: yes. Observed: 1 variant allele.
Comment: COL1A2: BS2

Labcorp Genetics (formerly Invitae), Labcorp
Classification: Likely pathogenic for Osteogenesis imperfecta type I; Ehlers-Danlos syndrome, classic type, 1. Last evaluated: 2026-01-12. Review status: criteria provided, single submitter. Criteria: Invitae Variant Classification Sherloc (09022015). Collection method: clinical testing. Allele origin: germline.
Comment: This sequence change replaces arginine, which is basic and polar, with histidine, which is basic and polar, at codon 1005 of the COL1A2 protein (p.Arg1005His). This variant is present in population databases (rs200357942, gnomAD 0.01%). This missense change has been observed in individual(s) with autosomal dominant osteogenesis imperfecta (PMID: 38828893). ClinVar contains an entry for this variant (Variation ID: 360966). Invitae Evidence Modeling of protein sequence and biophysical properties (such as structural, functional, and spatial information, amino acid conservation, physicochemical variation, residue mobility, and thermodynamic stability) indicates that this missense variant is expected to disrupt COL1A2 protein function with a positive predictive value of 95%. In summary, the currently available evidence indicates that the variant is pathogenic, but additional data are needed to prove that conclusively. Therefore, this variant has been classified as Likely Pathogenic.

Women's Health and Genetics/Laboratory Corporation of America, LabCorp
Classification: Uncertain significance. Last evaluated: 2025-11-03. Review status: criteria provided, single submitter. Criteria: LabCorp Variant Classification Summary - May 2015. Collection method: clinical testing. Allele origin: germline.
Comment: Variant summary: COL1A2 c.3014G>A (p.Arg1005His) results in a non-conservative amino acid change in the encoded protein sequence. Algorithms developed to predict the effect of missense changes on protein structure and function all suggest that this variant is likely to be disruptive. The variant allele was found at a frequency of 4.8e-05 in 227994 control chromosomes. This frequency is not significantly higher than estimated for disease-causing variants in COL1A2, allowing no conclusion about variant significance. c.3014G>A has been observed in individual(s) affected with atrial septal defect and osteogenesis imperfecta (Meerschaut_2022, Ozen_2024). These data do not allow any conclusion about variant significance. To our knowledge, no experimental evidence demonstrating an impact on protein function has been reported. The following publications have been ascertained in the context of this evaluation (PMID: 35885997, 38828893). ClinVar contains an entry for this variant (Variation ID: 360966). Based on the evidence outlined above, the variant was classified as uncertain significance.

Ambry Genetics
Classification: Uncertain significance for Cardiovascular phenotype. Last evaluated: 2025-07-17. Review status: criteria provided, single submitter. Criteria: Ambry Variant Classification Scheme 2023. Collection method: clinical testing. Allele origin: germline.
Comment: The p.R1005H variant (also known as c.3014G>A), located in coding exon 46 of the COL1A2 gene, results from a G to A substitution at nucleotide position 3014. The arginine at codon 1005 is replaced by histidine, an amino acid with highly similar properties. This amino acid position is highly conserved in available vertebrate species. In addition, this alteration is predicted to be deleterious by in silico analysis. Based on data from gnomAD, the frequency for this variant is above the maximum credible frequency for a COL1A2-related osteogenesis imperfecta/overlap disorder disease-causing variant based on internally established thresholds (Karczewski et al. Nature. 2020 May;581(7809):434-443; Whiffin et al. Genet Med. 2017 10;19:1151-1158). Based on the available evidence, the clinical significance of this variant remains unclear for COL1A2-related cardiac valvular type Ehlers-Danlos syndrome; however, it is unlikely to be causative of COL1A2-related osteogenesis imperfecta/overlap disorder.

GeneDx
Classification: Uncertain significance. Last evaluated: 2023-02-03. Review status: criteria provided, single submitter. Criteria: GeneDx Variant Classification Process June 2021. Collection method: clinical testing. Allele origin: germline. Affected: yes.
Comment: Has not been previously published as pathogenic or benign to our knowledge; Occurs in the triple helical domain at the Y position in the canonical Gly-X-Y repeat. Although this variant may have an effect on normal protein folding and function, missense substitution at the Y position is not a common mechanism of disease (HGMD); In silico analysis supports that this missense variant has a deleterious effect on protein structure/function

Illumina Laboratory Services, Illumina
Classification: Uncertain significance for Osteogenesis imperfecta. Last evaluated: 2018-01-13. Review status: criteria provided, single submitter. Criteria: ICSL Variant Classification Criteria 13 December 2019. Collection method: clinical testing. Allele origin: germline.

Illumina Laboratory Services, Illumina
Classification: Uncertain significance for Ehlers-Danlos syndrome, arthrochalasia type, 2. Last evaluated: 2018-01-13. Review status: criteria provided, single submitter. Criteria: ICSL Variant Classification Criteria 13 December 2019. Collection method: clinical testing. Allele origin: germline.

Literature cited by the submitters: PubMed 38828893 (cited by 3 submitters); PubMed 35885997 (cited by Women's Health and Genetics/Laboratory Corporation of America, LabCorp).

NM_000089.4(COL1A2):c.3014G>A (p.Arg1005His)

Gene: COL1A2 (collagen type I alpha 2 chain; plus strand). Cytogenetic location: 7q21.3.
Variant type: single nucleotide variant.
Coding change: c.3014G>A on transcript NM_000089.4 (MANE Select); coding-DNA position 3014, G replaced by A.
Protein change: p.Arg1005His; replaces arginine 1005 with histidine.
Molecular consequence: missense variant.
Genome position (GRCh38, 1-based): chr7:94,426,439, G>A. VCF-style: chr7-94426439-G-A. GRCh37 (hg19) VCF-style: chr7-94055751-G-A.
Other names: short protein forms R1005H.
Identifiers: ClinVar variation 360966 (VCV000360966.25), dbSNP rs200357942, ClinGen allele CA4347646.
Genomic context (GRCh38, chr7:94,426,439, plus strand): 5'-TTTTTAAAACGGTAAGTCTTATCCATCCTTCTGTTTCTTTATAGGGCCCACAAGGCATTC[G>A]TGGCGATAAGGGAGAGCCCGGTGAAAAGGGGCCCAGAGGTCTTCCTGGCTTAAAGGGACA-3'
Protein context (NP_000080.2, residues 995-1015): PRGPSGPQGI[Arg1005His]GDKGEPGEKG